The following is an entry in ClinVar:

NM_000441.2(SLC26A4):c.74C>G (p.Pro25Arg)

Genes: SLC26A4 (solute carrier family 26 member 4; plus strand), SLC26A4-AS1 (SLC26A4 antisense RNA 1; minus strand). Cytogenetic location: 7q22.3.
Variant type: single nucleotide variant.
Coding change: c.74C>G on transcript NM_000441.2 (MANE Select); coding-DNA position 74, C replaced by G.
Protein change: p.Pro25Arg; replaces proline 25 with arginine.
Molecular consequence: missense variant. On other transcripts: non-coding transcript variant (1).
Genome position (GRCh38, 1-based): chr7:107,661,715, C>G. VCF-style: chr7-107661715-C-G. GRCh37 (hg19) VCF-style: chr7-107302160-C-G.
Other names: short protein forms P25R.
Identifiers: ClinVar variation 2148890 (VCV002148890.4), dbSNP rs367907345, ClinGen allele CA164207235.
Genomic context (GRCh38, chr7:107,661,715, plus strand): 5'-GCGGCAGGTCGGAGCCGCCGCAGCTCCCCGAGTACAGCTGCAGCTACATGGTGTCGCGGC[C>G]GGTCTACAGCGAGCTCGCTTTCCAGCAACAGCACGAGCGGCGCCTGCAGGAGCGCAAGAC-3'
Protein context (NP_000432.1, residues 15-35): EYSCSYMVSR[Pro25Arg]VYSELAFQQQ

ClinVar aggregate classification (germline): Uncertain significance. Review status: criteria provided, multiple submitters, no conflicts (2 of 4 stars). 2 submissions from 2 submitters: Uncertain significance (2). Last evaluated 2024-10-15.

gnomAD v4.1: 15 of 1,563,266 alleles (0.00096%); highest among the groups gnomAD compares: African/African-American, 0.0014%; no homozygotes.

Submissions (2):

Labcorp Genetics (formerly Invitae), Labcorp
Classification: Uncertain significance. Last evaluated: 2024-10-15. Review status: criteria provided, single submitter. Criteria: Invitae Variant Classification Sherloc (09022015). Collection method: clinical testing. Allele origin: germline.
Comment: This sequence change replaces proline, which is neutral and non-polar, with arginine, which is basic and polar, at codon 25 of the SLC26A4 protein (p.Pro25Arg). This variant is present in population databases (no rsID available, gnomAD 0.01%). This variant has not been reported in the literature in individuals affected with SLC26A4-related conditions. ClinVar contains an entry for this variant (Variation ID: 2148890). An algorithm developed to predict the effect of missense changes on protein structure and function outputs the following: PolyPhen-2: "Benign". The arginine amino acid residue is found in multiple mammalian species, which suggests that this missense change does not adversely affect protein function. In summary, the available evidence is currently insufficient to determine the role of this variant in disease. Therefore, it has been classified as a Variant of Uncertain Significance.

Blueprint Genetics
Classification: Uncertain significance. Last evaluated: 2023-10-27. Review status: criteria provided, single submitter. Criteria: ACMG Guidelines, 2015. Collection method: clinical testing. Allele origin: germline.